The following is an entry in ClinVar:

ClinVar aggregate classification (germline): Uncertain significance (1 of 4 stars; one submission).

Conditions:
Malignant hyperthermia, susceptibility to, 5 (MHS5). Also called: CACNA1S-Related Malignant Hyperthermia Susceptibility. Identifiers: Orphanet 423, MedGen C1866077, MONDO:0011163, OMIM 601887.
Hypokalemic periodic paralysis, type 1. Also called: HypoPP; Hypokalemic Periodic Paralysis Type 1 (AD). Identifiers: Orphanet 681, MedGen C3714580, MONDO:0042979, OMIM 170400.

Submission:

Labcorp Genetics (formerly Invitae), Labcorp
Classification: Uncertain significance for Hypokalemic periodic paralysis, type 1; Malignant hyperthermia, susceptibility to, 5. Last evaluated: 2025-11-01. Review status: criteria provided, single submitter. Criteria: Invitae Variant Classification Sherloc (09022015). Collection method: clinical testing. Allele origin: germline.
Comment: This sequence change replaces isoleucine, which is neutral and non-polar, with asparagine, which is neutral and polar, at codon 1198 of the CACNA1S protein (p.Ile1198Asn). This variant is not present in population databases (gnomAD no frequency). This variant has not been reported in the literature in individuals affected with CACNA1S-related conditions. Invitae Evidence Modeling of protein sequence and biophysical properties (such as structural, functional, and spatial information, amino acid conservation, physicochemical variation, residue mobility, and thermodynamic stability) indicates that this missense variant is not expected to disrupt CACNA1S protein function with a negative predictive value of 95%. In summary, the available evidence is currently insufficient to determine the role of this variant in disease. Therefore, it has been classified as a Variant of Uncertain Significance.

NM_000069.3(CACNA1S):c.3593T>A (p.Ile1198Asn)

Gene: CACNA1S (calcium voltage-gated channel subunit alpha1 S; minus strand). Cytogenetic location: 1q32.1.
Variant type: single nucleotide variant.
Coding change: c.3593T>A on transcript NM_000069.3 (MANE Select); coding-DNA position 3593, T replaced by A.
Protein change: p.Ile1198Asn; replaces isoleucine 1198 with asparagine.
Molecular consequence: missense variant.
Genome position (GRCh38, 1-based): chr1:201,058,424, A>T on the plus strand (T>A on the coding strand, the complement: CACNA1S is on the minus strand). VCF-style: chr1-201058424-A-T. GRCh37 (hg19) VCF-style: chr1-201027552-A-T.
Other names: short protein forms I1198N.
Identifiers: ClinVar variation 4790722 (VCV004790722.1).